The following is an entry in ClinVar:

ClinVar aggregate classification (germline): Uncertain significance. Review status: criteria provided, multiple submitters, no conflicts (2 of 4 stars). 3 submissions from 3 submitters: Uncertain significance (2). 1 of the submissions does not count toward it. Last evaluated 2025-02-24.

Conditions:
Neuronal ceroid lipofuscinosis 1 (CLN1). Also called: PPT1-Related Neuronal Ceroid-Lipofuscinosis; CEROID LIPOFUSCINOSIS, NEURONAL, 1, VARIABLE AGE AT ONSET. Identifiers: Orphanet 228329, MedGen C1850451, MONDO:0009744, OMIM 256730.

Allele frequency attached by ClinVar (database versions not stated): gnomAD exomes 0.00001; TOPMed 0.00001; ESP Exome Variant Server 0.00008.
gnomAD v4.1: 16 of 1,614,182 alleles (0.00099%); highest among the groups gnomAD compares: Non-Finnish European, 0.0014%; no homozygotes.

Submissions (3):

GeneDx
Classification: Uncertain significance. Last evaluated: 2025-02-24. Review status: criteria provided, single submitter. Criteria: GeneDx Variant Classification Process June 2021. Collection method: clinical testing. Allele origin: germline. Affected: yes.
Comment: Not observed at significant frequency in large population cohorts (gnomAD); In silico analysis supports that this missense variant has a deleterious effect on protein structure/function; Has not been previously published as pathogenic or benign to our knowledge

Labcorp Genetics (formerly Invitae), Labcorp
Classification: Uncertain significance for Neuronal ceroid lipofuscinosis 1. Last evaluated: 2024-02-17. Review status: criteria provided, single submitter. Criteria: Invitae Variant Classification Sherloc (09022015). Collection method: clinical testing. Allele origin: germline.
Comment: This sequence change replaces serine, which is neutral and polar, with phenylalanine, which is neutral and non-polar, at codon 293 of the PPT1 protein (p.Ser293Phe). This variant is not present in population databases (gnomAD no frequency). This variant has not been reported in the literature in individuals affected with PPT1-related conditions. ClinVar contains an entry for this variant (Variation ID: 954949). Advanced modeling of protein sequence and biophysical properties (such as structural, functional, and spatial information, amino acid conservation, physicochemical variation, residue mobility, and thermodynamic stability) has been performed at Invitae for this missense variant, however the output from this modeling did not meet the statistical confidence thresholds required to predict the impact of this variant on PPT1 protein function. In summary, the available evidence is currently insufficient to determine the role of this variant in disease. Therefore, it has been classified as a Variant of Uncertain Significance.

Natera, Inc.
Classification: Uncertain significance for Neuronal ceroid lipofuscinosis 1. Last evaluated: 2020-05-28. Review status: no assertion criteria provided. Collection method: clinical testing. Allele origin: germline. Not counted in ClinVar's aggregate classification.

NM_000310.4(PPT1):c.878C>T (p.Ser293Phe)

Gene: PPT1 (palmitoyl-protein thioesterase 1; minus strand). Cytogenetic location: 1p34.2.
Variant type: single nucleotide variant.
Coding change: c.878C>T on transcript NM_000310.4 (MANE Select); coding-DNA position 878, C replaced by T.
Protein change: p.Ser293Phe; replaces serine 293 with phenylalanine.
Molecular consequence: missense variant.
Genome position (GRCh38, 1-based): chr1:40,074,104, G>A on the plus strand (C>T on the coding strand, the complement: PPT1 is on the minus strand). VCF-style: chr1-40074104-G-A. GRCh37 (hg19) VCF-style: chr1-40539776-G-A.
Other names: c.569C>T, p.Ser190Phe (NM_001142604.2); c.806C>T, p.Ser269Phe (NM_001363695.2); short protein forms S190F, S293F, S269F.
Identifiers: ClinVar variation 954949 (VCV000954949.11), dbSNP rs374154128, ClinGen allele CA20999062.